The following is an entry in ClinVar:

NM_001378120.1(MBD5):c.5059T>G (p.Leu1687Val)

Gene: MBD5 (methyl-CpG binding domain protein 5; plus strand). Cytogenetic location: 2q23.1.
Variant type: single nucleotide variant.
Coding change: c.5059T>G on transcript NM_001378120.1 (MANE Select); coding-DNA position 5059, T replaced by G.
Protein change: p.Leu1687Val; replaces leucine 1687 with valine.
Molecular consequence: missense variant.
Genome position (GRCh38, 1-based): chr2:148,510,082, T>G. VCF-style: chr2-148510082-T-G. GRCh37 (hg19) VCF-style: chr2-149267651-T-G.
Other names: c.4360T>G, p.Leu1454Val (NM_018328.5); short protein forms L1454V, L1687V.
Identifiers: ClinVar variation 3724178 (VCV003724178.2).
Genomic context (GRCh38, chr2:148,510,082, plus strand): 5'-AATTTTTTAATCTGGTGTGTTGTTTTCATTAATTCCAGAAGTGGAAAGCTAAATAACCAT[T>G]TAGAAGCTGCTATTCATGAGGCCATGAGTGAACTGGACAAAATGTCTGGGACTGTAAGTT-3'
Protein context (NP_001365049.1, residues 1677-1697): NRKSGKLNNH[Leu1687Val]EAAIHEAMSE

ClinVar aggregate classification (germline): Uncertain significance (1 of 4 stars; one submission).

Conditions:
Intellectual developmental disorder, autosomal dominant 1. Also called: MBD5 Haploinsufficiency; Intellectual disability, autosomal dominant 1. Identifiers: Orphanet 228402, MedGen C1969562, MONDO:0007974, OMIM 156200.

Submission:

Labcorp Genetics (formerly Invitae), Labcorp
Classification: Uncertain significance for Intellectual developmental disorder, autosomal dominant 1. Last evaluated: 2024-12-12. Review status: criteria provided, single submitter. Criteria: Invitae Variant Classification Sherloc (09022015). Collection method: clinical testing. Allele origin: germline.
Comment: This sequence change replaces leucine, which is neutral and non-polar, with valine, which is neutral and non-polar, at codon 1454 of the MBD5 protein (p.Leu1454Val). This variant is not present in population databases (gnomAD no frequency). This variant has not been reported in the literature in individuals affected with MBD5-related conditions. Experimental studies and prediction algorithms are not available or were not evaluated, and the functional significance of this variant is currently unknown. In summary, the available evidence is currently insufficient to determine the role of this variant in disease. Therefore, it has been classified as a Variant of Uncertain Significance.